The following is an entry in ClinVar:

NM_002207.3(ITGA9):c.2167G>A (p.Val723Met)

Gene: ITGA9 (integrin subunit alpha 9; plus strand). Cytogenetic location: 3p22.2.
Variant type: single nucleotide variant.
Coding change: c.2167G>A on transcript NM_002207.3 (MANE Select); coding-DNA position 2167, G replaced by A.
Protein change: p.Val723Met; replaces valine 723 with methionine.
Molecular consequence: missense variant.
Genome position (GRCh38, 1-based): chr3:37,736,916, G>A. VCF-style: chr3-37736916-G-A. GRCh37 (hg19) VCF-style: chr3-37778407-G-A.
Other names: short protein forms V723M.
Identifiers: ClinVar variation 3037547 (VCV003037547.2), dbSNP rs142025172, ClinGen allele CA2311086.

ClinVar aggregate classification (germline): Likely benign (0 of 4 stars; one submission).

Conditions:
ITGA9-related disorder. Also called: ITGA9-related condition.

Allele frequency attached by ClinVar (database versions not stated): gnomAD 0.00063; ESP Exome Variant Server 0.00069; 1000 Genomes Project 0.00080; 1000 Genomes Project 30x 0.00094; TOPMed 0.00097.
gnomAD v4.1: 1,486 of 1,612,386 alleles (0.092%); highest among the groups gnomAD compares: Admixed American, 0.16%; 2 homozygotes.

Submission:

PreventionGenetics, part of Exact Sciences
Classification: Likely benign for ITGA9-related condition. Last evaluated: 2020-11-02. Review status: no assertion criteria provided. Collection method: clinical testing. Allele origin: germline.
Comment: This variant is classified as likely benign based on ACMG/AMP sequence variant interpretation guidelines (Richards et al. 2015 PMID: 25741868, with internal and published modifications).